The following is an entry in ClinVar:

ClinVar aggregate classification (germline): Uncertain significance (1 of 4 stars; one submission).

Conditions:
Duchenne muscular dystrophy (DMD). Also called: MUSCULAR DYSTROPHY, PSEUDOHYPERTROPHIC PROGRESSIVE, DUCHENNE TYPE; Duchenne Muscular Dystrophy (DMD). Identifiers: Orphanet 98896, MedGen C0013264, MONDO:0010679, OMIM 310200.

Submission:

Labcorp Genetics (formerly Invitae), Labcorp
Classification: Uncertain significance for Duchenne muscular dystrophy. Last evaluated: 2024-04-01. Review status: criteria provided, single submitter. Criteria: Invitae Variant Classification Sherloc (09022015). Collection method: clinical testing. Allele origin: germline.
Comment: This sequence change replaces alanine, which is neutral and non-polar, with threonine, which is neutral and polar, at codon 2601 of the DMD protein (p.Ala2601Thr). This variant is not present in population databases (gnomAD no frequency). This variant has not been reported in the literature in individuals affected with DMD-related conditions. Advanced modeling of protein sequence and biophysical properties (such as structural, functional, and spatial information, amino acid conservation, physicochemical variation, residue mobility, and thermodynamic stability) performed at Invitae indicates that this missense variant is not expected to disrupt DMD protein function with a negative predictive value of 95%. In summary, the available evidence is currently insufficient to determine the role of this variant in disease. Therefore, it has been classified as a Variant of Uncertain Significance.

NM_004006.3(DMD):c.7801G>A (p.Ala2601Thr)

Gene: DMD (dystrophin; minus strand). Cytogenetic location: Xp21.1.
Variant type: single nucleotide variant.
Coding change: c.7801G>A on transcript NM_004006.3 (MANE Select); coding-DNA position 7801, G replaced by A.
Protein change: p.Ala2601Thr; replaces alanine 2601 with threonine.
Molecular consequence: missense variant.
Genome position (GRCh38, 1-based): chrX:31,679,446, C>T on the plus strand (G>A on the coding strand, the complement: DMD is on the minus strand). VCF-style: chrX-31679446-C-T. GRCh37 (hg19) VCF-style: chrX-31697563-C-T.
Other names: c.7777G>A, p.Ala2593Thr (NM_000109.4); c.7789G>A, p.Ala2597Thr (NM_004009.3); c.7432G>A, p.Ala2478Thr (NM_004010.3); c.3778G>A, p.Ala1260Thr (NM_004011.4); c.3769G>A, p.Ala1257Thr (NM_004012.4); c.421G>A, p.Ala141Thr (NM_004013.3, NM_004020.4, NM_004021.3 and 2 more transcripts); short protein forms A2593T, A2597T, A2601T, A1257T, A1260T, A141T, A2478T.
Identifiers: ClinVar variation 3634804 (VCV003634804.2).
Genomic context (GRCh38, chrX:31,679,446, plus strand): 5'-TGATTTTCTTTTGGATTGCATCTACTGTATAGGGACCCTCCTTCCATGACTCAAGCTTGG[C>T]TCTGGCCTGTCCTAAGACCTGCTCAGCTTCTTCCTTAGCTTCCAGCCATTGTGTTGAATC-3'
Protein context (NP_003997.2, residues 2591-2611): EAEQVLGQAR[Ala2601Thr]KLESWKEGPY